The following is an entry in ClinVar:

NM_004415.4(DSP):c.3830A>G (p.Gln1277Arg)

Gene: DSP (desmoplakin; plus strand). Cytogenetic location: 6p24.3.
Variant type: single nucleotide variant.
Coding change: c.3830A>G on transcript NM_004415.4 (MANE Select); coding-DNA position 3830, A replaced by G.
Protein change: p.Gln1277Arg; replaces glutamine 1277 with arginine.
Molecular consequence: missense variant. On other transcripts: intron variant (1).
Genome position (GRCh38, 1-based): chr6:7,580,020, A>G. VCF-style: chr6-7580020-A-G. GRCh37 (hg19) VCF-style: chr6-7580253-A-G.
Other names: c.3830A>G, p.Gln1277Arg (NM_001319034.2); c.3582+248A>G (NM_001008844.3); short protein forms Q1277R.
Identifiers: ClinVar variation 3071533 (VCV003071533.1), dbSNP rs1219447017, ClinGen allele CA362684947.

ClinVar aggregate classification (germline): Uncertain significance (1 of 4 stars; one submission).

Conditions:
Arrhythmogenic cardiomyopathy with wooly hair and keratoderma. Also called: PALMOPLANTAR KERATODERMA WITH LEFT VENTRICULAR CARDIOMYOPATHY AND WOOLLY HAIR; Carvajal syndrome; Dilated cardiomyopathy with woolly hair and keratoderma; Arrhythmogenic cardiomyopathy with woolly hair and keratoderma. Identifiers: Orphanet 65282, MedGen C1854063, MONDO:0011581, OMIM 605676.

Allele frequency attached by ClinVar (database versions not stated): gnomAD exomes below 0.00001.
gnomAD v4.1: 2 of 1,614,192 alleles (0.00012%); highest among the groups gnomAD compares: Non-Finnish European, 0.00017%; no homozygotes.

Submission:

All of Us Research Program, National Institutes of Health
Classification: Uncertain significance for Arrhythmogenic cardiomyopathy with wooly hair and keratoderma. Last evaluated: 2023-06-08. Review status: criteria provided, single submitter. Criteria: ACMG Guidelines, 2015. Collection method: clinical testing. Allele origin: germline. Inheritance: Autosomal dominant inheritance. Observed: 1 variant allele, 1 heterozygote.
Comment: This missense variant replaces glutamine with arginine at codon 1277 of the DSP protein. Computational prediction suggests that this variant may not impact protein structure and function (internally defined REVEL score threshold <= 0.5, PMID: 27666373). To our knowledge, functional studies have not been reported for this variant. This variant has not been reported in individuals affected with DSP-related disorders in the literature. This variant has been identified in 1/250836 chromosomes in the general population by the Genome Aggregation Database (gnomAD). The available evidence is insufficient to determine the role of this variant in disease conclusively. Therefore, this variant is classified as a Variant of Uncertain Significance.

This study involves interpretation of variants in research participants for the purpose of population health screening. Participant phenotype was not available at the time of variant classification. Additional details can be found in publication PMID: 35346344, PMCID: PMC8962531